The following is an entry in ClinVar:

ClinVar aggregate classification (germline): Uncertain significance. Review status: criteria provided, multiple submitters, no conflicts (2 of 4 stars). 3 submissions from 3 submitters: Uncertain significance (3). Last evaluated 2022-08-27.

Conditions:
Inborn genetic diseases. Identifiers: MedGen C0950123, MeSH D030342.

Allele frequency attached by ClinVar (database versions not stated): gnomAD exomes below 0.00001.
gnomAD v4.1: 4 of 1,197,429 alleles (0.00033%); highest among the groups gnomAD compares: Non-Finnish European, 0.00045%; no homozygotes.

Submissions (3):

Labcorp Genetics (formerly Invitae), Labcorp
Classification: Uncertain significance. Last evaluated: 2022-08-27. Review status: criteria provided, single submitter. Criteria: Invitae Variant Classification Sherloc (09022015). Collection method: clinical testing. Allele origin: germline.
Comment: Algorithms developed to predict the effect of missense changes on protein structure and function (SIFT, PolyPhen-2, Align-GVGD) all suggest that this variant is likely to be tolerated. In summary, the available evidence is currently insufficient to determine the role of this variant in disease. Therefore, it has been classified as a Variant of Uncertain Significance. This sequence change replaces isoleucine, which is neutral and non-polar, with valine, which is neutral and non-polar, at codon 57 of the UBE2A protein (p.Ile57Val). This variant is not present in population databases (gnomAD no frequency). This variant has not been reported in the literature in individuals affected with UBE2A-related conditions.

Ambry Genetics
Classification: Uncertain significance for Inborn genetic diseases. Last evaluated: 2022-08-01. Review status: criteria provided, single submitter. Criteria: Ambry Variant Classification Scheme 2023. Collection method: clinical testing. Allele origin: germline.

GeneDx
Classification: Uncertain significance. Last evaluated: 2022-07-07. Review status: criteria provided, single submitter. Criteria: GeneDx Variant Classification Process June 2021. Collection method: clinical testing. Allele origin: germline. Affected: yes.
Comment: Not observed at significant frequency in large population cohorts (gnomAD); In silico analysis supports that this missense variant does not alter protein structure/function; Has not been previously published as pathogenic or benign to our knowledge

NM_003336.4(UBE2A):c.169A>G (p.Ile57Val)

Gene: UBE2A (ubiquitin conjugating enzyme E2 A; plus strand). Cytogenetic location: Xq24.
Variant type: single nucleotide variant.
Coding change: c.169A>G on transcript NM_003336.4 (MANE Select); coding-DNA position 169, A replaced by G.
Protein change: p.Ile57Val; replaces isoleucine 57 with valine.
Molecular consequence: missense variant. On other transcripts: intron variant (1).
Genome position (GRCh38, 1-based): chrX:119,581,524, A>G. VCF-style: chrX-119581524-A-G. GRCh37 (hg19) VCF-style: chrX-118715487-A-G.
Other names: c.70A>G, p.Ile24Val (NM_001282161.2); c.152-1064A>G (NM_181762.3); short protein forms I24V, I57V.
Identifiers: ClinVar variation 1810560 (VCV001810560.7), dbSNP rs2520649588, ClinGen allele CA414375490.